The following is an entry in ClinVar:

ClinVar aggregate classification (germline): Likely benign. Review status: criteria provided, single submitter (1 of 4 stars). 2 submissions from 2 submitters: Likely benign (1). 1 of the submissions does not count toward it. Last evaluated 2026-03-01.

Conditions:
UNC79-related disorder. Also called: UNC79-related condition.

Submissions (2):

CeGaT Center for Human Genetics Tuebingen
Classification: Likely benign. Last evaluated: 2026-03-01. Review status: criteria provided, single submitter. Criteria: CeGaT Center For Human Genetics Tuebingen Variant Classification Criteria Version 2. Collection method: clinical testing. Allele origin: germline. Affected: yes. Observed: 2 variant alleles.
Comment: UNC79: PP2, BP4, BS2

PreventionGenetics, part of Exact Sciences
Classification: Likely benign for UNC79-related condition. Last evaluated: 2024-04-03. Review status: no assertion criteria provided. Collection method: clinical testing. Allele origin: germline. Not counted in ClinVar's aggregate classification.
Comment: This variant is classified as likely benign based on ACMG/AMP sequence variant interpretation guidelines (Richards et al. 2015 PMID: 25741868, with internal and published modifications).

NM_001395159.1(UNC79):c.328C>T (p.Arg110Cys)

Gene: UNC79 (unc-79 subunit of NALCN channel complex; plus strand). Cytogenetic location: 14q32.12.
Variant type: single nucleotide variant.
Coding change: c.328C>T on transcript NM_001395159.1 (MANE Select); coding-DNA position 328, C replaced by T.
Protein change: p.Arg110Cys; replaces arginine 110 with cysteine.
Molecular consequence: missense variant. On other transcripts: 5 prime UTR variant (1).
Genome position (GRCh38, 1-based): chr14:93,474,273, C>T. VCF-style: chr14-93474273-C-T. GRCh37 (hg19) VCF-style: chr14-93940619-C-T.
Other names: c.328C>T, p.Arg110Cys (NM_001346218.2); c.-204C>T (NM_020818.5); short protein forms R110C.
Identifiers: ClinVar variation 3356455 (VCV003356455.9).